The following is an entry in ClinVar:

ClinVar aggregate classification (germline): Pathogenic (1 of 4 stars; one submission).

Conditions:
Duchenne muscular dystrophy (DMD). Also called: MUSCULAR DYSTROPHY, PSEUDOHYPERTROPHIC PROGRESSIVE, DUCHENNE TYPE; Duchenne Muscular Dystrophy (DMD). Identifiers: Orphanet 98896, MedGen C0013264, MONDO:0010679, OMIM 310200.

Submission:

Athena Diagnostics
Classification: Pathogenic for Duchenne muscular dystrophy. Last evaluated: 2015-08-03. Review status: criteria provided, single submitter. Criteria: Athena Diagnostics Criteria. Collection method: clinical testing. Allele origin: germline. Inheritance: X-linked recessive inheritance.
Comment: X-linked recessive inheritance

Literature cited by the submitters: PubMed 17253928.

NM_004006.3(DMD):c.265-2A>G

Gene: DMD (dystrophin; minus strand). Cytogenetic location: Xp21.1.
Variant type: single nucleotide variant.
Coding change: c.265-2A>G on transcript NM_004006.3 (MANE Select); the canonical splice acceptor site of the intron before coding-DNA position 265, A replaced by G.
Molecular consequence: splice acceptor variant.
Genome position (GRCh38, 1-based): chrX:32,823,389, T>C on the plus strand (A>G on the coding strand, the complement: DMD is on the minus strand). VCF-style: chrX-32823389-T-C. GRCh37 (hg19) VCF-style: chrX-32841506-T-C.
Other names: c.241-2A>G (NM_000109.4); c.253-2A>G (NM_004009.3); c.-105-2A>G (NM_004010.3).
Identifiers: ClinVar variation 217187 (VCV000217187.1), dbSNP rs863224989, ClinGen allele CA347571.